The following is an entry in ClinVar:

ClinVar aggregate classification (germline): Benign (0 of 4 stars; one submission).

Conditions:
NAV2-related disorder. Also called: NAV2-related condition.

Allele frequency attached by ClinVar (database versions not stated): gnomAD 0.00498; TOPMed 0.00564; 1000 Genomes Project 0.00719; 1000 Genomes Project 30x 0.00765; ESP Exome Variant Server 0.00861.
gnomAD v4.1: 1,565 of 1,613,728 alleles (0.097%); highest among the groups gnomAD compares: African/African-American, 1.7%; 13 homozygotes.

Submission:

PreventionGenetics, part of Exact Sciences
Classification: Benign for NAV2-related condition. Last evaluated: 2019-11-07. Review status: no assertion criteria provided. Collection method: clinical testing. Allele origin: germline.
Comment: This variant is classified as benign based on ACMG/AMP sequence variant interpretation guidelines (Richards et al. 2015 PMID: 25741868, with internal and published modifications).

NM_145117.5(NAV2):c.6187G>A (p.Ala2063Thr)

Gene: NAV2 (neuron navigator 2; plus strand). Cytogenetic location: 11p15.1.
Variant type: single nucleotide variant.
Coding change: c.6187G>A on transcript NM_145117.5 (MANE Select); coding-DNA position 6187, G replaced by A.
Protein change: p.Ala2063Thr; replaces alanine 2063 with threonine.
Molecular consequence: missense variant.
Genome position (GRCh38, 1-based): chr11:20,100,942, G>A. VCF-style: chr11-20100942-G-A. GRCh37 (hg19) VCF-style: chr11-20122488-G-A.
Other names: c.5995G>A, p.Ala1999Thr (NM_001111018.2); c.3379G>A, p.Ala1127Thr (NM_001111019.3); c.6364G>A, p.Ala2122Thr (NM_001244963.2); c.6196G>A, p.Ala2066Thr (NM_182964.6); short protein forms A1127T, A1999T, A2063T, A2066T, A2122T.
Identifiers: ClinVar variation 3056539 (VCV003056539.2), dbSNP rs149468678, ClinGen allele CA5919309.